The following is an entry in ClinVar:

ClinVar aggregate classification (germline): Uncertain significance. Review status: reviewed by expert panel (3 of 4 stars). 3 submissions from 3 submitters: Uncertain significance (1). 2 of the submissions do not count toward it. Last evaluated 2025-04-10.

Conditions:
Fanconi renotubular syndrome 1. Also called: Toni-Debre-Fanconi syndrome; Neonatal De Toni-Debre-Fanconi syndrome; De Toni-Fanconi syndrome; FRTS1; LUDER-SHELDON SYNDROME. Identifiers: MedGen C4551503, MONDO:0024525, OMIM 134600.
Arginine:glycine amidinotransferase deficiency (CCDS3). Also called: AGAT deficiency; Creatine deficiency syndrome due to AGAT deficiency; GATM deficiency; L-Arginine:Glycine Amidinotransferase (AGAT) Deficiency; Cerebral creatine deficiency syndrome 3; L-Arginine:Glycine Amidinotransferase Deficiency. Identifiers: Orphanet 35704, MedGen C2675179, MONDO:0012996, OMIM 612718.

Submissions (3):

ClinGen Cerebral Creatine Deficiency Syndromes Variant Curation Expert Panel, ClinGen
Classification: Uncertain significance for Arginine:glycine amidinotransferase deficiency. Last evaluated: 2025-04-10. Review status: reviewed by expert panel. Criteria: ClinGen CCDS ACMG Specifications GATM V2.0.0. Collection method: curation. Allele origin: germline. Inheritance: Autosomal recessive inheritance.
Comment: The NM_001482.3:c.1006A>G in GATM is a missense variant that is predicted to result in the substitution of threonine by alanine at amino acid 336 (p.Thr336Ala). The variant is absent in gnomAD v4.01.0. (PM2_Supporting). The computational predictor REVEL gives a score of 0.127 which is below the threshold of 0.29, evidence that does not predict a damaging effect on AGAT function (BP4). To our knowledge, this variant has not been reported in an individual with phenotypic features of AGAT deficiency. It has been reported as a single heterozygous variant segregating in a family with autosomal dominant renal Fanconi syndrome and kidney failure (PMID: 29654216). However, classification with respect to this alternative disorder is outside the scope of this curation. There is a ClinVar entry for this variant (Variation ID: 917494). In summary, this variant meets the criteria to be classified as a variant of uncertain significance for AGAT deficiency. GATM-specific ACMG/AMP criteria applied, as specified by the ClinGen CCDS VCEP (Specifications Version 2.0.0): PM2_Supporting, BP4. (Classification approved by the ClinGen CCDS VCEP on April 10, 2025).

Fulgent Genetics
Classification: Likely pathogenic for Fanconi renotubular syndrome 1; Arginine:glycine amidinotransferase deficiency. Last evaluated: 2024-05-22. Review status: criteria provided, single submitter. Criteria: ACMG Guidelines, 2015. Collection method: clinical testing. Allele origin: germline. Not counted in ClinVar's aggregate classification.

OMIM
Classification: Pathogenic for FANCONI RENOTUBULAR SYNDROME 1. Last evaluated: 2020-06-11. Review status: no assertion criteria provided. Collection method: literature only. Allele origin: germline. Not counted in ClinVar's aggregate classification.

Literature cited by the submitters: PubMed 29654216 (cited by OMIM).

NM_001482.3(GATM):c.1006A>G (p.Thr336Ala)

Gene: GATM (glycine amidinotransferase; minus strand). Cytogenetic location: 15q21.1.
Variant type: single nucleotide variant.
Coding change: c.1006A>G on transcript NM_001482.3 (MANE Select); coding-DNA position 1006, A replaced by G.
Protein change: p.Thr336Ala; replaces threonine 336 with alanine.
Molecular consequence: missense variant.
Genome position (GRCh38, 1-based): chr15:45,364,833, T>C on the plus strand (A>G on the coding strand, the complement: GATM is on the minus strand). VCF-style: chr15-45364833-T-C. GRCh37 (hg19) VCF-style: chr15-45657031-T-C.
Other names: NM_001482.3(GATM):c.1006A>G; p.Thr336Ala; c.619A>G, p.Thr207Ala (NM_001321015.2); short protein forms T336A, T207A.
Identifiers: ClinVar variation 917494 (VCV000917494.4), dbSNP rs1889422994, ClinGen allele CA392256552.